The following is an entry in ClinVar:

ClinVar aggregate classification (germline): Uncertain significance (1 of 4 stars; one submission).

Allele frequency attached by ClinVar (database versions not stated): gnomAD 0.00003; ExAC 0.00001; TOPMed 0.00006.

Submission:

Labcorp Genetics (formerly Invitae), Labcorp
Classification: Uncertain significance. Last evaluated: 2026-01-26. Review status: criteria provided, single submitter. Criteria: Invitae Variant Classification Sherloc (09022015). Collection method: clinical testing. Allele origin: germline.
Comment: This sequence change replaces lysine, which is basic and polar, with methionine, which is neutral and non-polar, at codon 12 of the UQCRB protein (p.Lys12Met). This variant is present in population databases (rs778654929, gnomAD 0.007%). This variant has not been reported in the literature in individuals affected with UQCRB-related conditions. ClinVar contains an entry for this variant (Variation ID: 2781649). An algorithm developed to predict the effect of missense changes on protein structure and function (PolyPhen-2) suggests that this variant is likely to be disruptive. In summary, the available evidence is currently insufficient to determine the role of this variant in disease. Therefore, it has been classified as a Variant of Uncertain Significance.

NM_006294.5(UQCRB):c.35A>T (p.Lys12Met)

Gene: UQCRB (ubiquinol-cytochrome c reductase binding protein; minus strand). Cytogenetic location: 8q22.1.
Variant type: single nucleotide variant.
Coding change: c.35A>T on transcript NM_006294.5 (MANE Select); coding-DNA position 35, A replaced by T.
Protein change: p.Lys12Met; replaces lysine 12 with methionine.
Molecular consequence: missense variant. On other transcripts: 5 prime UTR variant (1), non-coding transcript variant (1).
Genome position (GRCh38, 1-based): chr8:96,233,212, T>A on the plus strand (A>T on the coding strand, the complement: UQCRB is on the minus strand). VCF-style: chr8-96233212-T-A. GRCh37 (hg19) VCF-style: chr8-97245440-T-A.
Other names: c.-62A>T (NM_001199975.3); c.35A>T, p.Lys12Met (NM_001254752.2); short protein forms K12M.
Identifiers: ClinVar variation 2781649 (VCV002781649.3), dbSNP rs778654929, ClinGen allele CA4815981.